The following is an entry in ClinVar:

ClinVar aggregate classification (germline): Pathogenic (1 of 4 stars; one submission).

Conditions:
Autosomal dominant limb-girdle muscular dystrophy type 1D (DNAJB6) (LGMDD1). Also called: MUSCULAR DYSTROPHY, LIMB-GIRDLE, TYPE 1D; Autosomal dominant limb-girdle muscular dystrophy type 1D; Muscular dystrophy, limb-girdle, autosomal dominant 1; MUSCULAR DYSTROPHY, AUTOSOMAL DOMINANT, WITH RIMMED VACUOLES. Identifiers: Orphanet 34516, MedGen C4721885, MONDO:0021018, OMIM 603511.

Submission:

Labcorp Genetics (formerly Invitae), Labcorp
Classification: Pathogenic for Autosomal dominant limb-girdle muscular dystrophy type 1D (DNAJB6). Last evaluated: 2022-08-12. Review status: criteria provided, single submitter. Criteria: Invitae Variant Classification Sherloc (09022015). Collection method: clinical testing. Allele origin: germline.
Comment: For these reasons, this variant has been classified as Pathogenic. This variant disrupts the p.Pro96 amino acid residue in DNAJB6. Other variant(s) that disrupt this residue have been determined to be pathogenic (PMID: 22334415, 24920671, 26371419). This suggests that this residue is clinically significant, and that variants that disrupt this residue are likely to be disease-causing. Experimental studies have shown that this missense change affects DNAJB6 function (PMID: 28233300). Advanced modeling of protein sequence and biophysical properties (such as structural, functional, and spatial information, amino acid conservation, physicochemical variation, residue mobility, and thermodynamic stability) performed at Invitae indicates that this missense variant is expected to disrupt DNAJB6 protein function. This missense change has been observed in individuals with DNAJB6-related conditions (PMID: 28233300, 30838352). It has also been observed to segregate with disease in related individuals. This variant is not present in population databases (gnomAD no frequency). This sequence change replaces proline, which is neutral and non-polar, with leucine, which is neutral and non-polar, at codon 96 of the DNAJB6 protein (p.Pro96Leu).

Literature cited by the submitters: PubMed 22334415; PubMed 24920671; PubMed 26371419; PubMed 28233300; PubMed 30838352.

NM_058246.4(DNAJB6):c.287C>T (p.Pro96Leu)

Gene: DNAJB6 (DnaJ heat shock protein family (Hsp40) member B6; plus strand). Cytogenetic location: 7q36.3.
Variant type: single nucleotide variant.
Coding change: c.287C>T on transcript NM_058246.4 (MANE Select); coding-DNA position 287, C replaced by T.
Protein change: p.Pro96Leu; replaces proline 96 with leucine.
Molecular consequence: missense variant.
Genome position (GRCh38, 1-based): chr7:157,367,424, C>T. VCF-style: chr7-157367424-C-T. GRCh37 (hg19) VCF-style: chr7-157160118-C-T.
Other names: c.287C>T, p.Pro96Leu (NM_001363676.1, NM_005494.3); short protein forms P96L.
Identifiers: ClinVar variation 2136635 (VCV002136635.4), dbSNP rs387907047, ClinGen allele CA370166138.